The following is an entry in ClinVar:

NM_001080414.4(CCDC88C):c.4777G>T (p.Glu1593Ter)

Gene: CCDC88C (coiled-coil and HOOK domain protein 88C; minus strand). Cytogenetic location: 14q32.11.
Variant type: single nucleotide variant.
Coding change: c.4777G>T on transcript NM_001080414.4 (MANE Select); coding-DNA position 4777, G replaced by T.
Protein change: p.Glu1593Ter; replaces glutamic acid 1593 with a stop codon.
Molecular consequence: nonsense. On other transcripts: non-coding transcript variant (2).
Genome position (GRCh38, 1-based): chr14:91,278,203, C>A on the plus strand (G>T on the coding strand, the complement: CCDC88C is on the minus strand). VCF-style: chr14-91278203-C-A. GRCh37 (hg19) VCF-style: chr14-91744547-C-A.
Other names: short protein forms E1593*.
Identifiers: ClinVar variation 3669802 (VCV003669802.3).

ClinVar aggregate classification (germline): Pathogenic (1 of 4 stars; one submission).

Submissions (2):

Labcorp Genetics (formerly Invitae), Labcorp
Classification: Pathogenic. Last evaluated: 2024-02-14. Review status: criteria provided, single submitter. Criteria: Invitae Variant Classification Sherloc (09022015). Collection method: clinical testing. Allele origin: germline.
Comment: This sequence change creates a premature translational stop signal (p.Glu1593*) in the CCDC88C gene. It is expected to result in an absent or disrupted protein product. Loss-of-function variants in CCDC88C are known to be pathogenic (PMID: 23042809, 29225145). This variant is not present in population databases (gnomAD no frequency). This variant has not been reported in the literature in individuals affected with CCDC88C-related conditions. For these reasons, this variant has been classified as Pathogenic.

Dr. Peter K. Rogan Lab, Western University
No classification provided (evidence only). Condition: Melanoma. Review status: no classification provided. Collection method: in vitro. Allele origin: not applicable. Functional consequence: retained intron. Not counted in ClinVar's aggregate classification.

Literature cited by the submitters: PubMed 23042809 (cited by Labcorp Genetics (formerly Invitae), Labcorp); PubMed 29225145 (cited by Labcorp Genetics (formerly Invitae), Labcorp).